The following is an entry in ClinVar:

ClinVar aggregate classification (germline): Conflicting classifications of pathogenicity. Review status: criteria provided, conflicting classifications (1 of 4 stars). 16 submissions from 16 submitters: Uncertain significance (9); Likely benign (2). 5 of the submissions do not count toward it. Last evaluated 2025-10-06.

Conditions:
BRCA1-related disorder. Also called: BRCA1-related condition.
Breast and/or ovarian cancer. Identifiers: MedGen CN221562.
Hereditary cancer-predisposing syndrome. Also called: Tumor predisposition; Neoplastic Syndromes, Hereditary; Hereditary Cancer Syndrome; Hereditary neoplastic syndrome. Identifiers: Orphanet 140162, MedGen C0027672, MeSH D009386, MONDO:0015356.
Hereditary breast ovarian cancer syndrome. Also called: Hereditary breast and ovarian cancer syndrome (HBOC); Hereditary breast and ovarian cancer syndrome; Hereditary breast and ovarian cancer; Hereditary breast and/or ovarian cancer syndrome; Breast and ovarian cancer; BRCA1- and BRCA2-Associated Hereditary Breast and Ovarian Cancer. Identifiers: Orphanet 145, MedGen C0677776, MeSH D061325, MONDO:0003582. Disease mechanism: loss of function.
Breast-ovarian cancer, familial, susceptibility to, 1 (BROVCA1). Also called: OVARIAN CANCER, SUSCEPTIBILITY TO; BRCA1 Hereditary Breast and Ovarian Cancer. Identifiers: Orphanet 145, MedGen C2676676, MONDO:0011450, OMIM 604370. Disease mechanism: loss of function.

Allele frequency attached by ClinVar (database versions not stated): gnomAD 0.00001; gnomAD exomes 0.00001; TOPMed 0.00002; ExAC 0.00003; ESP Exome Variant Server 0.00008.
gnomAD v4.1: 22 of 1,613,866 alleles (0.0014%); highest among the groups gnomAD compares: Non-Finnish European, 0.0016%; no homozygotes.

Submissions 1 to 6 of 16:

Labcorp Genetics (formerly Invitae), Labcorp
Classification: Uncertain significance for Hereditary breast ovarian cancer syndrome. Last evaluated: 2025-10-06. Review status: criteria provided, single submitter. Criteria: Invitae Variant Classification Sherloc (09022015). Collection method: clinical testing. Allele origin: germline.
Comment: This sequence change replaces glycine, which is neutral and non-polar, with arginine, which is basic and polar, at codon 462 of the BRCA1 protein (p.Gly462Arg). This variant is present in population databases (rs80357221, gnomAD 0.007%). This missense change has been observed in individual(s) with breast and ovarian cancer (PMID: 34326862, 34855882, 35534704). ClinVar contains an entry for this variant (Variation ID: 54230). Invitae Evidence Modeling of protein sequence and biophysical properties (such as structural, functional, and spatial information, amino acid conservation, physicochemical variation, residue mobility, and thermodynamic stability) has been performed for this missense variant. However, the output from this modeling did not meet the statistical confidence thresholds required to predict the impact of this variant on BRCA1 protein function. Experimental studies have shown that this missense change does not substantially affect BRCA1 function (PMID: 26689913). In summary, the available evidence is currently insufficient to determine the role of this variant in disease. Therefore, it has been classified as a Variant of Uncertain Significance.

Women's Health and Genetics/Laboratory Corporation of America, LabCorp
Classification: Uncertain significance. Last evaluated: 2025-09-19. Review status: criteria provided, single submitter. Criteria: LabCorp Variant Classification Summary - May 2015. Collection method: clinical testing. Allele origin: germline.
Comment: Variant summary: BRCA1 c.1384G>A (p.Gly462Arg) results in a non-conservative amino acid change located in the BRCA1, serine-rich domain (IPR025994) of the encoded protein sequence. Algorithms developed to predict the effect of missense changes on protein structure and function all suggest that this variant is likely to be disruptive. The variant allele was found at a frequency of 1.2e-05 in 251048 control chromosomes. The available data on variant occurrences in the general population are insufficient to allow any conclusion about variant significance. c.1384G>A has been reported in individuals affected with breast and/or ovarian cancer (e.g. Anczukow_2008, Coulet_2010, Yang_2022). These reports do not provide unequivocal conclusions about association of the variant with Hereditary Breast And Ovarian Cancer Syndrome. At least one publication reports experimental evidence evaluating an impact on protein function and found that the variant resulted in 85%-90% of normal homology directed repair (HDR) activity (Lu_2015). The following publications have been ascertained in the context of this evaluation (PMID: 18273839, 34597585, 20858050, 26689913, 34855882, 36451132). ClinVar contains an entry for this variant (Variation ID: 54230). Based on the evidence outlined above, the variant was classified as VUS-possibly benign.

Ambry Genetics
Classification: Uncertain significance for Hereditary cancer-predisposing syndrome. Last evaluated: 2025-08-06. Review status: criteria provided, single submitter. Criteria: Ambry Variant Classification Scheme 2023. Collection method: clinical testing. Allele origin: germline.
Comment: The p.G462R variant (also known as c.1384G>A), located in coding exon 9 of the BRCA1 gene, results from a G to A substitution at nucleotide position 1384. The glycine at codon 462 is replaced by arginine, an amino acid with dissimilar properties. This alteration was described as a pathogenic mutation in a French study; however, data contributing to this classification was not provided (Coulet F et al. Genet Test Mol Biomarkers. 2010; 14:677-90). This alteration was not found to have an impact on splicing using a BRCA1 minigene and RT-PCR assay (Anczukow O et al. Genes Chromosomes Cancer. 2008 May;47(5):418-26). In a functional study this alteration was shown to retain 85% of homology-directed repair activity relative to wild type (Lu C et al. Nat Commun, 2015 Dec;6:10086). This alteration was also identified in 0/87 patients with CS or BRRS and 1/3476 patients from The Cancer Genome Atlas (TCGA) (Yehia L et al. PLoS Genet, 2018 04;14:e1007352). This amino acid position is highly conserved in available vertebrate species. In addition, this alteration is predicted to be deleterious by in silico analysis. Since supporting evidence is limited at this time, the clinical significance of this alteration remains unclear.

GeneDx
Classification: Uncertain significance. Last evaluated: 2025-06-11. Review status: criteria provided, single submitter. Criteria: GeneDx Variant Classification Process June 2021. Collection method: clinical testing. Allele origin: germline. Affected: yes.
Comment: Not observed at significant frequency in large population cohorts (gnomAD); In silico analysis supports that this missense variant has a deleterious effect on protein structure/function; Published functional studies are inconclusive: reduced, but not absent, homology-directed repair activity (PMID: 26689913); Multifactorial analysis suggests that this variant is benign (PMID: 34597585); Observed in individuals with melanoma, bladder, ovarian, breast, or lung cancer, as well as in an unaffected control (PMID: 26689913, 29625052, 29684080, 34326862, 33471991, 35534704); Also known as 1503G>A; This variant is associated with the following publications: (PMID: 18273839, 15385441, 20858050, 16518693, 15001988, 12531920, 25637381, 23704879, 23893897, 29684080, 29625052, 33471991, 36865205, 34855882, 35534704, 36451132, 34326862, 15343273, 26689913, 34597585)

ARUP Laboratories, Molecular Genetics and Genomics, ARUP Laboratories
Classification: Uncertain significance. Last evaluated: 2024-12-27. Review status: criteria provided, single submitter. Criteria: ARUP Molecular Germline Variant Investigation Process 2024. Collection method: clinical testing. Allele origin: germline.
Comment: The BRCA1 c.1384G>A; p.Gly462Arg variant (rs80357221, ClinVar variation ID 54230) is reported in the literature in individuals affected with breast or ovarian, lung, skin, head and neck and bladder cancers (AnczukÃ³w 2008, de Oliveira 2022, Huang 2018, Yang 2022). Functional analyses of the variant protein by homology-directed repair assay show conflicting outcomes (Lu 2015, Ozgencil 2021). One multifactorial study utilizing co-occurrence and co-segregation concluded this variant is benign (Caputo 2021). This variant is found in the non-Finnish European population with an allele frequency of 0.003% (3/ 113478 alleles) in the Genome Aggregation Database (v2.1.1). Computational analyses predict that this variant is deleterious (REVEL: 0.899, BayesDel: 0.49). Due to conflicting functional information, the clinical significance of this variant is uncertain at this time. References: AnczukÃ³w O et al. Unclassified variants identified in BRCA1 exon 11: Consequences on splicing. Genes Chromosomes Cancer. 2008 May. PMID: 18273839. Caputo SM et al. Classification of 101 BRCA1 and BRCA2 variants of uncertain significance by cosegregation study: A powerful approach. Am J Hum Genet. 2021 Oct 7;108(10):1907-1923. PMID: 34597585. de Oliveira JM et al. The genetics of hereditary cancer risk syndromes in Brazil: a comprehensive analysis of 1682 patients. Eur J Hum Genet. 2022 Jul. PMID: 35534704. Huang KL et al. Pathogenic Germline Variants in 10,389 Adult Cancers. Cell. 2018 Apr 5. PMID: 29625052. Lu C et al. Patterns and functional implications of rare germline variants across 12 cancer types. Nat Commun. 2015 Dec 22. PMID: 26689913. Ozgencil M et al. Assessing BRCA1 activity in DNA damage repair using human induced pluripotent stem cells as an approach to assist classification of BRCA1 variants of uncertain significance. PLoS One. 2021 PMID: 34855882. Yang Y et al. The germline mutational landscape of genitourinary cancers and its indication for prognosis and risk. BMC Urol. 2022 Nov 30. PMID: 36451132.

Blueprint Genetics
Classification: Likely benign. Last evaluated: 2024-08-09. Review status: criteria provided, single submitter. Criteria: ACMG Guidelines, 2015. Collection method: clinical testing. Allele origin: germline.

NM_007294.4(BRCA1):c.1384G>A (p.Gly462Arg)

Gene: BRCA1 (BRCA1 DNA repair associated; minus strand). Cytogenetic location: 17q21.31.
Variant type: single nucleotide variant.
Coding change: c.1384G>A on transcript NM_007294.4 (MANE Select); coding-DNA position 1384, G replaced by A.
Protein change: p.Gly462Arg; replaces glycine 462 with arginine.
Molecular consequence: missense variant. On other transcripts: intron variant (137).
Genome position (GRCh38, 1-based): chr17:43,094,147, C>T on the plus strand (G>A on the coding strand, the complement: BRCA1 is on the minus strand). VCF-style: chr17-43094147-C-T. GRCh37 (hg19) VCF-style: chr17-41246164-C-T.
Other names: 1503G>A; c.1171G>A, p.Gly391Arg (NM_001407571.1, NM_001407853.1, NM_001407894.1 and 9 more transcripts); c.1384G>A, p.Gly462Arg (NM_001407581.1, NM_001407582.1, NM_001407583.1 and 30 more transcripts); c.1381G>A, p.Gly461Arg (NM_001407587.1, NM_001407590.1, NM_001407591.1 and 22 more transcripts); c.1375G>A, p.Gly459Arg (NM_001407646.1, NM_001407647.1); c.1261G>A, p.Gly421Arg (NM_001407648.1, NM_001407664.1, NM_001407665.1 and 19 more transcripts); c.1258G>A, p.Gly420Arg (NM_001407649.1, NM_001407670.1, NM_001407671.1 and 11 more transcripts); c.1306G>A, p.Gly436Arg (NM_001407653.1, NM_001407654.1, NM_001407655.1 and 4 more transcripts); and 41 more; short protein forms G462R, G415R, G334R, G335R, G373R, G374R, G394R, G414R.
Identifiers: ClinVar variation 54230 (VCV000054230.56), dbSNP rs80357221, ClinGen allele CA000922.